The following is an entry in ClinVar:

ClinVar aggregate classification (germline): Uncertain significance (1 of 4 stars; one submission).

Submission:

Labcorp Genetics (formerly Invitae), Labcorp
Classification: Uncertain significance. Last evaluated: 2023-05-24. Review status: criteria provided, single submitter. Criteria: Invitae Variant Classification Sherloc (09022015). Collection method: clinical testing. Allele origin: germline.
Comment: In summary, the available evidence is currently insufficient to determine the role of this variant in disease. Therefore, it has been classified as a Variant of Uncertain Significance. This variant disrupts the p.Met946 amino acid residue in MYO7A. Other variant(s) that disrupt this residue have been determined to be pathogenic (PMID: 24831256, 26338283, 29625443). This suggests that this residue is clinically significant, and that variants that disrupt this residue are likely to be disease-causing. Advanced modeling of protein sequence and biophysical properties (such as structural, functional, and spatial information, amino acid conservation, physicochemical variation, residue mobility, and thermodynamic stability) has been performed at Invitae for this missense variant, however the output from this modeling did not meet the statistical confidence thresholds required to predict the impact of this variant on MYO7A protein function. This variant has not been reported in the literature in individuals affected with MYO7A-related conditions. This variant is not present in population databases (gnomAD no frequency). This sequence change replaces methionine, which is neutral and non-polar, with lysine, which is basic and polar, at codon 946 of the MYO7A protein (p.Met946Lys).

Literature cited by the submitters: PubMed 24831256; PubMed 26338283; PubMed 29625443.

NM_000260.4(MYO7A):c.2837T>A (p.Met946Lys)

Gene: MYO7A (myosin VIIA; plus strand). Cytogenetic location: 11q13.5.
Variant type: single nucleotide variant.
Coding change: c.2837T>A on transcript NM_000260.4 (MANE Select); coding-DNA position 2837, T replaced by A.
Protein change: p.Met946Lys; replaces methionine 946 with lysine.
Molecular consequence: missense variant.
Genome position (GRCh38, 1-based): chr11:77,181,522, T>A. VCF-style: chr11-77181522-T-A. GRCh37 (hg19) VCF-style: chr11-76892568-T-A.
Other names: c.2837T>A, p.Met946Lys (NM_001127180.2); c.2804T>A, p.Met935Lys (NM_001369365.1); short protein forms M935K, M946K.
Identifiers: ClinVar variation 2712715 (VCV002712715.3), dbSNP rs1296612982, ClinGen allele CA381943108.